The following is an entry in ClinVar:

ClinVar aggregate classification (germline): Uncertain significance. Review status: criteria provided, multiple submitters, no conflicts (2 of 4 stars). 2 submissions from 2 submitters: Uncertain significance (2). Last evaluated 2024-05-15.

Conditions:
Neurodevelopmental disorder with impaired speech and hyperkinetic movements. Identifiers: MedGen C5193088, MONDO:0032741, OMIM 618425.

Allele frequency attached by ClinVar (database versions not stated): TOPMed below 0.00001; ExAC 0.00003; gnomAD exomes 0.00001.
gnomAD v4.1: 16 of 1,613,864 alleles (0.00099%); highest among the groups gnomAD compares: South Asian, 0.0099%; no homozygotes.

Submissions (2):

GeneDx
Classification: Uncertain significance. Last evaluated: 2024-05-15. Review status: criteria provided, single submitter. Criteria: GeneDx Variant Classification Process June 2021. Collection method: clinical testing. Allele origin: germline. Affected: yes.
Comment: In silico analysis indicates that this missense variant does not alter protein structure/function; Has not been previously published as pathogenic or benign to our knowledge

Neuberg Centre For Genomic Medicine, NCGM
Classification: Uncertain significance for Neurodevelopmental disorder with impaired speech and hyperkinetic movements. Review status: criteria provided, single submitter. Criteria: ACMG Guidelines, 2015. Collection method: clinical testing. Allele origin: germline. Inheritance: Autosomal recessive inheritance. Affected: yes.
Comment: The missense variant inc.1433C>T in ZNF142 gene has not been reported previously as a pathogenic variant nor as a benign variant, to our knowledge. The p.Ala478Val variant is novel (not in any individuals) in 1000 Genomes and has allele frequency of 0.002011% in gnomAD database. This variant has not been reported to the ClinVar database. The amino acid change p.Ala478Val in ZNF142 is predicted as conserved by GERP++ and PhyloP across 100 vertebrates. The amino acid Ala at position 478 is changed to a Val changing protein sequence and it might alter its composition and physico-chemical properties. For these reasons, this variant has been classified as Uncertain Significance (VUS).

NM_001379659.1(ZNF142):c.1433C>T (p.Ala478Val)

Gene: ZNF142 (zinc finger protein 142; minus strand). Cytogenetic location: 2q35.
Variant type: single nucleotide variant.
Coding change: c.1433C>T on transcript NM_001379659.1 (MANE Select); coding-DNA position 1433, C replaced by T.
Protein change: p.Ala478Val; replaces alanine 478 with valine.
Molecular consequence: missense variant.
Genome position (GRCh38, 1-based): chr2:218,649,075, G>A on the plus strand (C>T on the coding strand, the complement: ZNF142 is on the minus strand). VCF-style: chr2-218649075-G-A. GRCh37 (hg19) VCF-style: chr2-219513798-G-A.
Other names: c.833C>T, p.Ala278Val (NM_001105537.5, NM_001366291.3, NM_001379662.1); c.344C>T, p.Ala115Val (NM_001366287.3, NM_001366288.3, NM_001366289.3); c.1433C>T, p.Ala478Val (NM_001366290.3, NM_001379660.1, NM_001379661.1); c.833C>T (NM_001105537.2); short protein forms A278V, A478V, A115V.
Identifiers: ClinVar variation 2584850 (VCV002584850.2), dbSNP rs774663163, ClinGen allele CA2109378.